The following continues an entry in ClinVar:

NM_000441.2(SLC26A4):c.-3-2A>G

ClinVar aggregate classification (germline): Pathogenic/Likely pathogenic. Pathogenic (18); Likely pathogenic (2).

Submissions 13 to 22 of 22:

Women's Health and Genetics/Laboratory Corporation of America, LabCorp
Classification: Pathogenic for Pendred syndrome. Last evaluated: 2022-12-02. Review status: criteria provided, single submitter. Criteria: LabCorp Variant Classification Summary - May 2015. Collection method: clinical testing. Allele origin: germline.
Comment: Variant summary: SLC26A4 c.-3-2A>G is located in a canonical splice-site and is predicted to affect mRNA splicing resulting in a significantly altered protein due to either exon skipping, shortening, or inclusion of intronic material. Several computational tools predict a significant impact on normal splicing: Four predict the variant abolishes a canonical 3' acceptor site. However, these predictions have yet to be confirmed by functional studies. The variant allele was found at a frequency of 0.00012 in 168934 control chromosomes. This frequency is not significantly higher than expected for a pathogenic variant in SLC26A4 causing Pendred Syndrome (0.00012 vs 0.0035), allowing no conclusion about variant significance. c.-3-2A>G has been reported in the literature in individuals affected with Pendred Syndrome or hearing loss (Rodriguez-Paris_2010, Sloan-Heggen_2016, Yoon_2020), and these patients were reported as compound heterozygous with other (likely) pathogenic variants. These data indicate that the variant is likely to be associated with disease. To our knowledge, no experimental evidence demonstrating an impact on protein function has been reported. Nine clinical diagnostic laboratories have submitted clinical-significance assessments for this variant to ClinVar after 2014 without evidence for independent evaluation. All laboratories classified the variant as pathogenic/likely pathogenic. Based on the evidence outlined above, the variant was classified as pathogenic.

Department of Pathology and Laboratory Medicine, Sinai Health System
Classification: Pathogenic for Autosomal recessive nonsyndromic hearing loss 4; Pendred syndrome. Last evaluated: 2022-10-11. Review status: criteria provided, single submitter. Criteria: ACMG Guidelines, 2015. Collection method: research. Allele origin: germline.

CeGaT Center for Human Genetics Tuebingen
Classification: Pathogenic. Last evaluated: 2022-08-01. Review status: criteria provided, single submitter. Criteria: CeGaT Center For Human Genetics Tuebingen Variant Classification Criteria Version 2. Collection method: clinical testing. Allele origin: germline. Affected: yes. Observed: 1 variant allele.
Comment: SLC26A4: PM3:Very Strong, PVS1:Strong, PM2

GeneDx
Classification: Pathogenic. Last evaluated: 2021-12-20. Review status: criteria provided, single submitter. Criteria: GeneDx Variant Classification Process June 2021. Collection method: clinical testing. Allele origin: germline. Affected: yes.
Comment: Canonical splice site variant in a gene for which loss-of-function is a known mechanism of disease; This variant is associated with the following publications: (PMID: 31980526, 19204907, 25525159, 21704276, 23965030, 15689455, 14679580, 16570074, 25394566, 26022370)

Genome-Nilou Lab
Classification: Likely pathogenic for Autosomal recessive nonsyndromic hearing loss 4. Last evaluated: 2021-09-05. Review status: criteria provided, single submitter. Criteria: ACMG Guidelines, 2015. Collection method: clinical testing. Allele origin: germline. Affected: no.

Genome-Nilou Lab
Classification: Pathogenic for Pendred syndrome. Last evaluated: 2021-09-05. Review status: criteria provided, single submitter. Criteria: ACMG Guidelines, 2015. Collection method: clinical testing. Allele origin: germline. Affected: no.

Myriad Genetics, Inc.
Classification: Pathogenic for Pendred syndrome. Last evaluated: 2021-03-23. Review status: criteria provided, single submitter. Criteria: Myriad Autosomal Dominant, Autosomal Recessive and X-Linked Classification Criteria (2023). Collection method: clinical testing. Allele origin: unknown.
Comment: NM_000441.1(SLC26A4):c.-3-2A>G is classified as likely pathogenic in the context of Pendred syndrome. Sources cited for classification include the following: PMID: 25394566, 21704276, 23965030 and 16570074. Classification of NM_000441.1(SLC26A4):c.-3-2A>G is based on the following criteria: This variant has been observed more frequently in patients with clinical diagnoses than in healthy populations. Please note: this variant was assessed in the context of healthy population screening.

Laboratory for Molecular Medicine, Mass General Brigham Personalized Medicine
Classification: Pathogenic for Rare genetic deafness. Last evaluated: 2018-06-04. Review status: criteria provided, single submitter. Criteria: LMM Criteria. Collection method: clinical testing. Allele origin: germline. Inheritance: Autosomal recessive inheritance. Observed: 18 variant alleles.
Comment: The c.-3-2A>G variant in SLC26A4 has been identified in 11 compound heterozygous individuals and 1 homozygous individual with hearing loss and clinical features of DFNB4-related hearing loss/Pendred syndrome (EVA or temporal bone abnormalit ies and one with a goiter) (Lopez-Bigas 2001, Pryor 2005, Albert 2006, Choi 2009 a, Choi 2009b, Soh 2015, DeLuca 2015, LMM data). This variant has also been iden tified in 21/88534 European chromosomes by the Genome Aggregation Database (gnom AD). Although this variant has been seen in th e general population, its frequency is low enough to be consistent with a recess ive carrier frequency. This variant occurs in the invariant region (+/- 1,2) of the splice consensus sequence and is predicted to cause altered splicing leading to an abnormal or absent protein. In summary, this variant meets criteria to be classified as pathogenic for DFNB4-related hearing loss/Pendred syndrome in an autosomal recessive manner based upon presence in affected individuals and predi cted impact on protein. ACMG/AMP Criteria applied: PVS1, PM3_VeryStrong, PS4, PM 2_Supporting

PreventionGenetics, part of Exact Sciences
Classification: Pathogenic for SLC26A4-related condition. Last evaluated: 2023-12-04. Review status: no assertion criteria provided. Collection method: clinical testing. Allele origin: germline. Not counted in ClinVar's aggregate classification.
Comment: The SLC26A4 c.-3-2A>G variant is located in the 5' untranslated region. This variant is predicted to disrupt the AG acceptor site and interfere with normal splicing. This variant has been reported in multiple patients as causative for autosomal recessive Pendred syndrome or nonsyndromic hearing loss with/without enlarged vestibular aqueduct (described as IVS1-3-2A>G, Albert. 2006. PubMed ID: 16570074; described as c.3-2A>G, Soh. 2015. PubMed ID: 25394566; Yoon. 2020. PubMed ID: 32658404; DeLuca. 2015. PubMed ID: 26022370). This variant is reported in 0.024% of alleles in individuals of European (Non-Finnish) descent in gnomAD. This variant is interpreted as pathogenic.

Dr. Peter K. Rogan Lab, Western University
No classification provided (evidence only). Condition: Nonpapillary renal cell carcinoma. Review status: no classification provided. Collection method: in vitro. Allele origin: not applicable. Functional consequence: skipped exon, retained intron. Not counted in ClinVar's aggregate classification.

Literature cited by the submitters: PubMed 16570074 (cited by 3 submitters); PubMed 25394566 (cited by 3 submitters); PubMed 26022370 (cited by 3 submitters); PubMed 17576681 (cited by Labcorp Genetics (formerly Invitae), Labcorp); PubMed 9536098 (cited by Labcorp Genetics (formerly Invitae), Labcorp); PubMed 26969326 (cited by Natera, Inc. and Women's Health and Genetics/Laboratory Corporation of America, LabCorp); PubMed 20301640 (cited by Victorian Clinical Genetics Services, Murdoch Childrens Research Institute); PubMed 32658404 (cited by Ambry Genetics and Women's Health and Genetics/Laboratory Corporation of America, LabCorp); PubMed 20668687 (cited by Women's Health and Genetics/Laboratory Corporation of America, LabCorp); PubMed 15689455 (cited by Laboratory for Molecular Medicine, Mass General Brigham Personalized Medicine); PubMed 14679580 (cited by Laboratory for Molecular Medicine, Mass General Brigham Personalized Medicine); PubMed 19204907 (cited by Laboratory for Molecular Medicine, Mass General Brigham Personalized Medicine); PubMed 11748854 (cited by Laboratory for Molecular Medicine, Mass General Brigham Personalized Medicine); PubMed 19578036 (cited by Laboratory for Molecular Medicine, Mass General Brigham Personalized Medicine).